The following is an entry in ClinVar:

ClinVar aggregate classification (germline): Likely benign (1 of 4 stars; one submission).

Allele frequency attached by ClinVar (database versions not stated): gnomAD 0.00001; gnomAD exomes 0.00001; TOPMed 0.00002.
gnomAD v4.1: 24 of 1,614,038 alleles (0.0015%); highest among the groups gnomAD compares: Admixed American, 0.0017%; no homozygotes.

Submission:

CeGaT Center for Human Genetics Tuebingen
Classification: Likely benign. Last evaluated: 2023-02-01. Review status: criteria provided, single submitter. Criteria: CeGaT Center For Human Genetics Tuebingen Variant Classification Criteria Version 2. Collection method: clinical testing. Allele origin: germline. Affected: yes. Observed: 1 variant allele.
Comment: RSPH9: BP4, BP7

NM_152732.5(RSPH9):c.600C>T (p.Thr200=)

Gene: RSPH9 (radial spoke head component 9; plus strand). Cytogenetic location: 6p21.1.
Variant type: single nucleotide variant.
Coding change: c.600C>T on transcript NM_152732.5 (MANE Select); coding-DNA position 600, C replaced by T.
Protein change: p.Thr200=; no amino-acid change (threonine 200 retained).
Molecular consequence: synonymous variant. On other transcripts: non-coding transcript variant (2).
Genome position (GRCh38, 1-based): chr6:43,656,653, C>T. VCF-style: chr6-43656653-C-T. GRCh37 (hg19) VCF-style: chr6-43624390-C-T.
Other names: c.555C>T, p.Thr185= (NM_001193341.2, NM_001424120.1); c.600C>T, p.Thr200= (NM_001424119.1, NM_001424121.1).
Identifiers: ClinVar variation 2656611 (VCV002656611.23), dbSNP rs1426417654, ClinGen allele CA450297240.
Genomic context (GRCh38, chr6:43,656,653, plus strand): 5'-GGCCAAGAAGCTCAGCTCCTACTTCCATTTCAGGGAGCCTGTTGAGCTAAAGAATAAGAC[C>T]TTGCTTGAGAAGGCTGACCTGGACCCCTCCCTGGATTTCATGGACTCCTTGGAGCATGAC-3'
Protein context (NP_689945.2, residues 190-210): FREPVELKNK[Thr200=]LLEKADLDPS